The following is an entry in ClinVar:

ClinVar aggregate classification (germline): Uncertain significance. Review status: criteria provided, multiple submitters, no conflicts (2 of 4 stars). 2 submissions from 2 submitters: Uncertain significance (2). Last evaluated 2024-05-12.

Conditions:
Renal tubular dysgenesis of genetic origin. Also called: PRIMITIVE RENAL TUBULE SYNDROME. Identifiers: Orphanet 97369, MedGen C5681536, MONDO:0009970, OMIM 267430.

Allele frequency attached by ClinVar (database versions not stated): gnomAD 0.00001; gnomAD exomes 0.00001; TOPMed 0.00002; ExAC 0.00007.
gnomAD v4.1: 17 of 1,613,958 alleles (0.0011%); highest among the groups gnomAD compares: Admixed American, 0.017%; no homozygotes.

Submissions (2):

Fulgent Genetics
Classification: Uncertain significance for Renal tubular dysgenesis of genetic origin. Last evaluated: 2024-05-12. Review status: criteria provided, single submitter. Criteria: ACMG Guidelines, 2015. Collection method: clinical testing. Allele origin: germline.

Labcorp Genetics (formerly Invitae), Labcorp
Classification: Uncertain significance. Last evaluated: 2022-11-15. Review status: criteria provided, single submitter. Criteria: Invitae Variant Classification Sherloc (09022015). Collection method: clinical testing. Allele origin: germline.
Comment: In summary, the available evidence is currently insufficient to determine the role of this variant in disease. Therefore, it has been classified as a Variant of Uncertain Significance. Algorithms developed to predict the effect of missense changes on protein structure and function are either unavailable or do not agree on the potential impact of this missense change (SIFT: "Deleterious"; PolyPhen-2: "Possibly Damaging"; Align-GVGD: "Class C0"). This variant has not been reported in the literature in individuals affected with AGT-related conditions. This variant is present in population databases (rs564074355, gnomAD 0.02%). This sequence change replaces arginine, which is basic and polar, with glutamine, which is neutral and polar, at codon 174 of the AGT protein (p.Arg174Gln).

NM_001384479.1(AGT):c.494G>A (p.Arg165Gln)

Gene: AGT (angiotensinogen; minus strand). Cytogenetic location: 1q42.2.
Variant type: single nucleotide variant.
Coding change: c.494G>A on transcript NM_001384479.1 (MANE Select); coding-DNA position 494, G replaced by A.
Protein change: p.Arg165Gln; replaces arginine 165 with glutamine.
Molecular consequence: missense variant.
Genome position (GRCh38, 1-based): chr1:230,710,330, C>T on the plus strand (G>A on the coding strand, the complement: AGT is on the minus strand). VCF-style: chr1-230710330-C-T. GRCh37 (hg19) VCF-style: chr1-230846076-C-T.
Other names: c.494G>A, p.Arg165Gln (NM_001382817.3); short protein forms R165Q.
Identifiers: ClinVar variation 1928642 (VCV001928642.6), dbSNP rs564074355, ClinGen allele CA1448285.